The following is an entry in ClinVar:

NM_130384.3(ATRIP):c.1224C>A (p.Phe408Leu)

Genes: ATRIP (ATR interacting protein; plus strand), ATRIP-TREX1 (ATRIP-TREX1 readthrough; plus strand). Cytogenetic location: 3p21.31.
Variant type: single nucleotide variant.
Coding change: c.1224C>A on transcript NM_130384.3 (MANE Select); coding-DNA position 1224, C replaced by A.
Protein change: p.Phe408Leu; replaces phenylalanine 408 with leucine.
Molecular consequence: missense variant. On other transcripts: non-coding transcript variant (1).
Genome position (GRCh38, 1-based): chr3:48,460,278, C>A. VCF-style: chr3-48460278-C-A. GRCh37 (hg19) VCF-style: chr3-48501677-C-A.
Other names: c.843C>A, p.Phe281Leu (NM_001271022.2); c.945C>A, p.Phe315Leu (NM_001271023.2); c.1224C>A, p.Phe408Leu (NM_032166.4); short protein forms F281L, F408L, F315L.
Identifiers: ClinVar variation 3976679 (VCV003976679.1).

ClinVar aggregate classification (germline): Uncertain significance (1 of 4 stars; one submission).

Submission:

Ambry Genetics
Classification: Uncertain significance. Last evaluated: 2025-05-19. Review status: criteria provided, single submitter. Criteria: Ambry Variant Classification Scheme 2023. Collection method: clinical testing. Allele origin: germline.
Comment: The p.F408L variant (also known as c.1224C>A), located in coding exon 8 of the ATRIP gene, results from a C to A substitution at nucleotide position 1224. The phenylalanine at codon 408 is replaced by leucine, an amino acid with highly similar properties. This amino acid position is conserved. In addition, this alteration is predicted to be tolerated by in silico analysis. Based on the available evidence, the clinical significance of this variant remains unclear.